The following is an entry in ClinVar:

NM_002907.4(RECQL):c.1718G>A (p.Gly573Glu)

Genes: PYROXD1 (pyridine nucleotide-disulphide oxidoreductase domain 1; plus strand), RECQL (RecQ like helicase; minus strand). Cytogenetic location: 12p12.1.
Variant type: single nucleotide variant.
Coding change: c.1718G>A on transcript NM_002907.4 (MANE Select); coding-DNA position 1718, G replaced by A.
Protein change: p.Gly573Glu; replaces glycine 573 with glutamic acid.
Molecular consequence: missense variant. On other transcripts: 3 prime UTR variant (3).
Genome position (GRCh38, 1-based): chr12:21,471,048, C>T on the plus strand (G>A on the coding strand, the complement: RECQL is on the minus strand). VCF-style: chr12-21471048-C-T. GRCh37 (hg19) VCF-style: chr12-21623982-C-T.
Other names: c.1718G>A, p.Gly573Glu (NM_032941.3); c.*2294C>T (NM_001350912.2, NM_001350913.2, NM_024854.5); short protein forms G573E.
Identifiers: ClinVar variation 1778669 (VCV001778669.3), dbSNP rs2540314304, ClinGen allele CA384114596.

ClinVar aggregate classification (germline): Uncertain significance (1 of 4 stars; one submission).

Submission:

Ambry Genetics
Classification: Uncertain significance. Last evaluated: 2025-02-15. Review status: criteria provided, single submitter. Criteria: Ambry Variant Classification Scheme 2023. Collection method: clinical testing. Allele origin: germline.
Comment: The p.G573E variant (also known as c.1718G>A), located in coding exon 13 of the RECQL gene, results from a G to A substitution at nucleotide position 1718. The glycine at codon 573 is replaced by glutamic acid, an amino acid with similar properties. This amino acid position is conserved. In addition, this alteration is predicted to be deleterious by in silico analysis. Since supporting evidence is limited at this time, the clinical significance of this alteration remains unclear.